The following is an entry in ClinVar:

ClinVar aggregate classification (germline): Uncertain significance (1 of 4 stars; one submission).

Conditions:
Hereditary cancer-predisposing syndrome. Also called: Tumor predisposition; Hereditary neoplastic syndrome; Hereditary Cancer Syndrome; Neoplastic Syndromes, Hereditary. Identifiers: Orphanet 140162, MedGen C0027672, MeSH D009386, MONDO:0015356.

Submission:

Ambry Genetics
Classification: Uncertain significance for Hereditary cancer-predisposing syndrome. Last evaluated: 2024-02-09. Review status: criteria provided, single submitter. Criteria: Ambry Variant Classification Scheme 2023. Collection method: clinical testing. Allele origin: germline.
Comment: The p.K158E variant (also known as c.472A>G), located in coding exon 5 of the SDHB gene, results from an A to G substitution at nucleotide position 472. The lysine at codon 158 is replaced by glutamic acid, an amino acid with similar properties. This amino acid position is conserved. In addition, this alteration is predicted to be deleterious by in silico analysis. Based on the available evidence, the clinical significance of this alteration remains unclear.

NM_003000.3(SDHB):c.472A>G (p.Lys158Glu)

Gene: SDHB (succinate dehydrogenase complex iron sulfur subunit B; minus strand). Cytogenetic location: 1p36.13.
Variant type: single nucleotide variant.
Coding change: c.472A>G on transcript NM_003000.3 (MANE Select); coding-DNA position 472, A replaced by G.
Protein change: p.Lys158Glu; replaces lysine 158 with glutamic acid.
Molecular consequence: missense variant.
Genome position (GRCh38, 1-based): chr1:17,027,817, T>C on the plus strand (A>G on the coding strand, the complement: SDHB is on the minus strand). VCF-style: chr1-17027817-T-C. GRCh37 (hg19) VCF-style: chr1-17354312-T-C.
Other names: c.418A>G, p.Lys140Glu (NM_001407361.1); short protein forms K140E, K158E.
Identifiers: ClinVar variation 3223012 (VCV003223012.1), dbSNP rs2525017792, ClinGen allele CA338272916.